The following is an entry in ClinVar:

ClinVar aggregate classification (germline): Uncertain significance (1 of 4 stars; one submission).

Conditions:
Inborn genetic diseases. Identifiers: MedGen C0950123, MeSH D030342.

Allele frequency attached by ClinVar (database versions not stated): gnomAD exomes below 0.00001 and 0.00001; TOPMed 0.00001.
gnomAD v4.1: 4 of 1,202,777 alleles (0.00033%); highest among the groups gnomAD compares: South Asian, 0.0018%; no homozygotes.

Submission:

Ambry Genetics
Classification: Uncertain significance for Inborn genetic diseases. Last evaluated: 2023-07-25. Review status: criteria provided, single submitter. Criteria: Ambry Variant Classification Scheme 2023. Collection method: clinical testing. Allele origin: germline.
Comment: The c.1147A>G (p.I383V) alteration is located in exon 11 (coding exon 11) of the THOC2 gene. This alteration results from an A to G substitution at nucleotide position 1147, causing the isoleucine (I) at amino acid position 383 to be replaced by a valine (V). Based on data from gnomAD, the G allele has an overall frequency of 0.001% (1/169615) total alleles studied. The highest observed frequency was 0.001% (1/77581) of European (non-Finnish) alleles. This amino acid position is not well conserved in available vertebrate species. This alteration is predicted to be tolerated by in silico analysis. Based on insufficient or conflicting evidence, the clinical significance of this alteration remains unclear.

NM_001081550.2(THOC2):c.1147A>G (p.Ile383Val)

Gene: THOC2 (THO complex subunit 2; minus strand). Cytogenetic location: Xq25.
Variant type: single nucleotide variant.
Coding change: c.1147A>G on transcript NM_001081550.2 (MANE Select); coding-DNA position 1147, A replaced by G.
Protein change: p.Ile383Val; replaces isoleucine 383 with valine.
Molecular consequence: missense variant.
Genome position (GRCh38, 1-based): chrX:123,667,149, T>C on the plus strand (A>G on the coding strand, the complement: THOC2 is on the minus strand). VCF-style: chrX-123667149-T-C. GRCh37 (hg19) VCF-style: chrX-122801000-T-C.
Other names: short protein forms I383V.
Identifiers: ClinVar variation 522016 (VCV000522016.5), dbSNP rs928293754, ClinGen allele CA335258368.